The following is an entry in ClinVar:

NC_000007.13:g.(?_146471343)_(146829621_?)del

Gene: CNTNAP2 (contactin associated protein 2; plus strand). Cytogenetic location: 7q35.
Variant type: Deletion.
Identifiers: ClinVar variation 2425900 (VCV002425900.6).

ClinVar aggregate classification (germline): Uncertain significance (1 of 4 stars; one submission).

Conditions:
Cortical dysplasia-focal epilepsy syndrome (PTHSL1). Also called: Pitt-Hopkins-like syndrome 1. Identifiers: Orphanet 163681, Orphanet 221150, MedGen C2750246, MONDO:0012400, OMIM 610042.

Submission:

Labcorp Genetics (formerly Invitae), Labcorp
Classification: Uncertain significance for Cortical dysplasia-focal epilepsy syndrome. Last evaluated: 2022-03-03. Review status: criteria provided, single submitter. Criteria: Invitae Variant Classification Sherloc (09022015). Collection method: clinical testing. Allele origin: germline.
Comment: In summary, the available evidence is currently insufficient to determine the role of this variant in disease. Therefore, it has been classified as a Variant of Uncertain Significance. Experimental studies and prediction algorithms are not available or were not evaluated, and the functional significance of this variant is currently unknown. This variant has not been reported in the literature in individuals affected with CNTNAP2-related conditions. This variant is a gross deletion of the genomic region encompassing exon(s) 2-8 of the CNTNAP2 gene. This variant would be expected to be in-frame, preserving the integrity of the reading frame.